The following is an entry in ClinVar:

ClinVar aggregate classification (germline): Uncertain significance (1 of 4 stars; one submission).

Conditions:
Hypertrophic cardiomyopathy. Also called: HYPERTROPHIC MYOCARDIOPATHY. Identifiers: Orphanet 217569, MedGen C0007194, MeSH D002312, MONDO:0005045, HP:0001639.

Allele frequency attached by ClinVar (database versions not stated): gnomAD exomes below 0.00001.

Submission:

Labcorp Genetics (formerly Invitae), Labcorp
Classification: Uncertain significance for Hypertrophic cardiomyopathy. Last evaluated: 2025-02-17. Review status: criteria provided, single submitter. Criteria: Invitae Variant Classification Sherloc (09022015). Collection method: clinical testing. Allele origin: germline.
Comment: This sequence change replaces leucine, which is neutral and non-polar, with valine, which is neutral and non-polar, at codon 390 of the MYH7 protein (p.Leu390Val). This variant is not present in population databases (gnomAD no frequency). This missense change has been observed in individual(s) with familial hypertrophic cardiomyopathy (PMID: 11214007). It has also been observed to segregate with disease in related individuals. ClinVar contains an entry for this variant (Variation ID: 2736089). Invitae Evidence Modeling of protein sequence and biophysical properties (such as structural, functional, and spatial information, amino acid conservation, physicochemical variation, residue mobility, and thermodynamic stability) has been performed for this missense variant. However, the output from this modeling did not meet the statistical confidence thresholds required to predict the impact of this variant on MYH7 protein function. In summary, the available evidence is currently insufficient to determine the role of this variant in disease. Therefore, it has been classified as a Variant of Uncertain Significance.

Literature cited by the submitters: PubMed 11214007.

NM_000257.4(MYH7):c.1168C>G (p.Leu390Val)

Gene: MYH7 (myosin heavy chain 7; minus strand). Cytogenetic location: 14q11.2.
Variant type: single nucleotide variant.
Coding change: c.1168C>G on transcript NM_000257.4 (MANE Select); coding-DNA position 1168, C replaced by G.
Protein change: p.Leu390Val; replaces leucine 390 with valine.
Molecular consequence: missense variant.
Genome position (GRCh38, 1-based): chr14:23,429,318, G>C on the plus strand (C>G on the coding strand, the complement: MYH7 is on the minus strand). VCF-style: chr14-23429318-G-C. GRCh37 (hg19) VCF-style: chr14-23898527-G-C.
Other names: c.1168C>G, p.Leu390Val (NM_001407004.1); short protein forms L390V.
Identifiers: ClinVar variation 2736089 (VCV002736089.3), dbSNP rs2502303411, ClinGen allele CA389051200.